The following is an entry in ClinVar:

NM_033026.6(PCLO):c.3409A>G (p.Met1137Val)

Gene: PCLO (piccolo presynaptic cytomatrix protein; minus strand). Cytogenetic location: 7q21.11.
Variant type: single nucleotide variant.
Coding change: c.3409A>G on transcript NM_033026.6 (MANE Select); coding-DNA position 3409, A replaced by G.
Protein change: p.Met1137Val; replaces methionine 1137 with valine.
Molecular consequence: missense variant.
Genome position (GRCh38, 1-based): chr7:82,966,379, T>C on the plus strand (A>G on the coding strand, the complement: PCLO is on the minus strand). VCF-style: chr7-82966379-T-C. GRCh37 (hg19) VCF-style: chr7-82595695-T-C.
Other names: c.3409A>G, p.Met1137Val (NM_014510.3); c.3409A>G (NM_033026.5); short protein forms M1137V.
Identifiers: ClinVar variation 1436614 (VCV001436614.4), dbSNP rs374346619, ClinGen allele CA4321047.

ClinVar aggregate classification (germline): Uncertain significance. Review status: criteria provided, multiple submitters, no conflicts (2 of 4 stars). 2 submissions from 2 submitters: Uncertain significance (2). Last evaluated 2024-12-12.

Allele frequency attached by ClinVar (database versions not stated): ExAC 0.00002; gnomAD 0.00003 and 0.00004; gnomAD exomes 0.00001 and 0.00002; TOPMed 0.00003; ESP Exome Variant Server 0.00016.

Submissions (2):

GeneDx
Classification: Uncertain significance. Last evaluated: 2024-12-12. Review status: criteria provided, single submitter. Criteria: GeneDx Variant Classification Process June 2021. Collection method: clinical testing. Allele origin: germline. Affected: yes.
Comment: In silico analysis indicates that this missense variant does not alter protein structure/function; Has not been previously published as pathogenic or benign to our knowledge; Variants in candidate genes are classified as variants of uncertain significance in accordance with ACMG guidelines (PMID: 25741868)

Labcorp Genetics (formerly Invitae), Labcorp
Classification: Uncertain significance. Last evaluated: 2022-09-13. Review status: criteria provided, single submitter. Criteria: Invitae Variant Classification Sherloc (09022015). Collection method: clinical testing. Allele origin: germline.
Comment: This sequence change replaces methionine, which is neutral and non-polar, with valine, which is neutral and non-polar, at codon 1137 of the PCLO protein (p.Met1137Val). This variant is present in population databases (rs374346619, gnomAD 0.004%). This variant has not been reported in the literature in individuals affected with PCLO-related conditions. ClinVar contains an entry for this variant (Variation ID: 1436614). Algorithms developed to predict the effect of missense changes on protein structure and function output the following: SIFT: "Tolerated"; PolyPhen-2: "Not Available"; Align-GVGD: "Class C0". The valine amino acid residue is found in multiple mammalian species, which suggests that this missense change does not adversely affect protein function. In summary, the available evidence is currently insufficient to determine the role of this variant in disease. Therefore, it has been classified as a Variant of Uncertain Significance.